The following is an entry in ClinVar:

NM_001369.3(DNAH5):c.281_283delinsGACGATCA (p.Gln94fs)

Gene: DNAH5 (dynein axonemal heavy chain 5; minus strand). Cytogenetic location: 5p15.2.
Variant type: Indel.
Coding change: c.281_283delinsGACGATCA on transcript NM_001369.3 (MANE Select); coding-DNA positions 281 to 283, AAC replaced by GACGATCA.
Protein change: p.Gln94fs; shifts the reading frame from glutamine 94.
Molecular consequence: frameshift variant.
Genome position (GRCh38, 1-based): chr5:13,923,435-13,923,437, GTT replaced by TGATCGTC on the plus strand (AAC replaced by GACGATCA on the coding strand, the reverse complement: DNAH5 is on the minus strand). VCF-style: chr5-13923435-GTT-TGATCGTC. GRCh37 (hg19) VCF-style: chr5-13923544-GTT-TGATCGTC.
Other names: short protein forms Q94fs.
Identifiers: ClinVar variation 5016412 (VCV005016412.1).
Genomic context (GRCh38, chr5:13,923,435, plus strand): 5'-CGAACACCTTAGGTTTTTTAATCTTTCCAGAAACAAGATTTACCCCTCCTAGAGAGCCAA[GTT>TGATCGTC]GTCCTACAAAAGCAAAATAATTTTAGTTTCACAAATGCTTTTTGCAGTCCATGTGGTTCC-3'

ClinVar aggregate classification (germline): Pathogenic (1 of 4 stars; one submission).

Conditions:
Primary ciliary dyskinesia 3. Identifiers: Orphanet 244, MedGen C1837618, MONDO:0012085, OMIM 608644.

Submission:

Myriad Genetics, Inc.
Classification: Pathogenic for Primary ciliary dyskinesia 3. Last evaluated: 2024-05-14. Review status: criteria provided, single submitter. Criteria: Myriad Autosomal Dominant, Autosomal Recessive and X-Linked Classification Criteria (2023). Collection method: clinical testing. Allele origin: unknown.
Comment: NM_001369.2(DNAH5):c.281_283del3ins8(Q94Rfs*7) is expected to be pathogenic in the context of primary ciliary dyskinesia, DNAH5-related. This variant is predicted to lead to an abnormal or absent protein product due to the creation of a premature termination codon in DNAH5, a gene where loss-of-function variants are known to be pathogenic. Please note: this variant was assessed in the context of healthy population screening.